The following is an entry in ClinVar:

NM_000138.5(FBN1):c.3984T>C (p.Ile1328=)

Gene: FBN1 (fibrillin 1; minus strand). Cytogenetic location: 15q21.1.
Variant type: single nucleotide variant.
Coding change: c.3984T>C on transcript NM_000138.5 (MANE Select); coding-DNA position 3984, T replaced by C.
Protein change: p.Ile1328=; no amino-acid change (isoleucine 1328 retained).
Molecular consequence: synonymous variant.
Genome position (GRCh38, 1-based): chr15:48,474,631, A>G on the plus strand (T>C on the coding strand, the complement: FBN1 is on the minus strand). VCF-style: chr15-48474631-A-G. GRCh37 (hg19) VCF-style: chr15-48766828-A-G.
Other names: c.3984T>C, p.Ile1328= (NM_001406716.1).
Identifiers: ClinVar variation 3074600 (VCV003074600.1), dbSNP rs2505518938, ClinGen allele CA490015311.

ClinVar aggregate classification (germline): Likely benign (1 of 4 stars; one submission).

Conditions:
Marfan syndrome (MFS). Also called: MARFAN SYNDROME, TYPE I; Marfan syndrome type 1; Marfan's syndrome; Marfan syndrome, classic; FBN1-Related Marfan Syndrome. Identifiers: Orphanet 284963, Orphanet 558, MedGen C0024796, MONDO:0007947, OMIM 154700.

Submission:

All of Us Research Program, National Institutes of Health
Classification: Likely benign for Marfan syndrome. Last evaluated: 2023-11-20. Review status: criteria provided, single submitter. Criteria: ACMG Guidelines, 2015. Collection method: clinical testing. Allele origin: germline. Inheritance: Autosomal dominant inheritance. Observed: 1 variant allele, 1 heterozygote.
Comment: This study involves interpretation of variants in research participants for the purpose of population health screening. Participant phenotype was not available at the time of variant classification. Additional details can be found in publication PMID: 35346344, PMCID: PMC8962531